The following is an entry in ClinVar:

ClinVar aggregate classification (germline): Uncertain significance (1 of 4 stars; one submission).

Conditions:
Hereditary cancer-predisposing syndrome. Also called: Neoplastic Syndromes, Hereditary; Tumor predisposition; Hereditary Cancer Syndrome; Hereditary neoplastic syndrome. Identifiers: Orphanet 140162, MedGen C0027672, MeSH D009386, MONDO:0015356.

Submission:

Ambry Genetics
Classification: Uncertain significance for Hereditary cancer-predisposing syndrome. Last evaluated: 2020-05-20. Review status: criteria provided, single submitter. Criteria: Ambry Variant Classification Scheme 2023. Collection method: clinical testing. Allele origin: germline.
Comment: The p.Q238L variant (also known as c.713A>T), located in coding exon 6 of the APC gene, results from an A to T substitution at nucleotide position 713. The glutamine at codon 238 is replaced by leucine, an amino acid with dissimilar properties. This amino acid position is highly conserved in available vertebrate species. In addition, in silico predictors for this gene do not accurately predict pathogenicity. Since supporting evidence is limited at this time, the clinical significance of this alteration remains unclear.

NM_000038.6(APC):c.713A>T (p.Gln238Leu)

Gene: APC (APC regulator of Wnt signaling pathway; plus strand). Cytogenetic location: 5q22.2.
Variant type: single nucleotide variant.
Coding change: c.713A>T on transcript NM_000038.6 (MANE Select); coding-DNA position 713, A replaced by T.
Protein change: p.Gln238Leu; replaces glutamine 238 with leucine.
Molecular consequence: missense variant. On other transcripts: 5 prime UTR variant (1), intron variant (2).
Genome position (GRCh38, 1-based): chr5:112,792,513, A>T. VCF-style: chr5-112792513-A-T. GRCh37 (hg19) VCF-style: chr5-112128210-A-T.
Other names: c.743A>T, p.Gln248Leu (NM_001354897.2, NM_001354902.2, NM_001407446.1); c.638A>T, p.Gln213Leu (NM_001354898.2, NM_001354904.2, NM_001407451.1); c.536A>T, p.Gln179Leu (NM_001354900.2, NM_001354901.2, NM_001354905.2 and 1 more transcripts); c.713A>T, p.Gln238Leu (NM_001354903.2, NM_001407447.1, NM_001407448.1 and 12 more transcripts); c.-323A>T (NM_001354906.2, NM_001407470.1, NM_001407471.1 and 1 more transcripts); c.676-8766A>T (NM_001127511.3); c.646-8766A>T (NM_001354899.2); short protein forms Q238L, Q248L, Q179L, Q213L.
Identifiers: ClinVar variation 1757339 (VCV001757339.2), dbSNP rs1759740429, ClinGen allele CA16022893.